The following is an entry in ClinVar:

ClinVar aggregate classification (germline): Conflicting classifications of pathogenicity. Review status: criteria provided, conflicting classifications (1 of 4 stars). 2 submissions from 2 submitters: Uncertain significance (1); Likely benign (1). Last evaluated 2022-10-20.

Allele frequency attached by ClinVar (database versions not stated): gnomAD 0.00001; gnomAD exomes 0.00001; ExAC 0.00002; 1000 Genomes Project 30x 0.00031; 1000 Genomes Project 0.00040.
gnomAD v4.1: 7 of 1,614,164 alleles (0.00043%); highest among the groups gnomAD compares: East Asian, 0.016%; no homozygotes.

Submissions (2):

Blueprint Genetics
Classification: Likely benign. Last evaluated: 2022-10-20. Review status: criteria provided, single submitter. Criteria: ACMG Guidelines, 2015. Collection method: clinical testing. Allele origin: germline.

Labcorp Genetics (formerly Invitae), Labcorp
Classification: Uncertain significance. Last evaluated: 2021-12-28. Review status: criteria provided, single submitter. Criteria: Invitae Variant Classification Sherloc (09022015). Collection method: clinical testing. Allele origin: germline.
Comment: This variant is present in population databases (rs534739758, gnomAD 0.03%). This sequence change replaces lysine, which is basic and polar, with asparagine, which is neutral and polar, at codon 319 of the CFB protein (p.Lys319Asn). This variant has not been reported in the literature in individuals affected with CFB-related conditions. Algorithms developed to predict the effect of missense changes on protein structure and function output the following: SIFT: "Tolerated"; PolyPhen-2: "Benign"; Align-GVGD: "Class C0". The asparagine amino acid residue is found in multiple mammalian species, which suggests that this missense change does not adversely affect protein function. In summary, the available evidence is currently insufficient to determine the role of this variant in disease. Therefore, it has been classified as a Variant of Uncertain Significance.

NM_001710.6(CFB):c.957A>T (p.Lys319Asn)

Gene: CFB (complement factor B; plus strand). Cytogenetic location: 6p21.33.
Variant type: single nucleotide variant.
Coding change: c.957A>T on transcript NM_001710.6 (MANE Select); coding-DNA position 957, A replaced by T.
Protein change: p.Lys319Asn; replaces lysine 319 with asparagine.
Molecular consequence: missense variant.
Genome position (GRCh38, 1-based): chr6:31,948,433, A>T. VCF-style: chr6-31948433-A-T. GRCh37 (hg19) VCF-style: chr6-31916210-A-T.
Other names: short protein forms K319N.
Identifiers: ClinVar variation 2146908 (VCV002146908.5), dbSNP rs534739758, ClinGen allele CA3728196.